The following is an entry in ClinVar:

ClinVar aggregate classification (germline): Benign (1 of 4 stars; one submission).

Allele frequency attached by ClinVar (database versions not stated): 1000 Genomes Project 30x 0.52186; 1000 Genomes Project 0.52835; TOPMed 0.54501; gnomAD 0.55172 and 0.55368.

Submission:

GeneDx
Classification: Benign. Last evaluated: 2018-06-14. Review status: criteria provided, single submitter. Criteria: GeneDx Variant Classification (06012015). Collection method: clinical testing. Allele origin: germline. Affected: yes.
Comment: This variant is considered likely benign or benign based on one or more of the following criteria: it is a conservative change, it occurs at a poorly conserved position in the protein, it is predicted to be benign by multiple in silico algorithms, and/or has population frequency not consistent with disease.

NM_018127.7(ELAC2):c.2254-191G>A

Gene: ELAC2 (elaC ribonuclease Z 2; minus strand). Cytogenetic location: 17p12.
Variant type: single nucleotide variant.
Coding change: c.2254-191G>A on transcript NM_018127.7 (MANE Select); 191 bases into the intron before coding-DNA position 2254, G replaced by A.
Molecular consequence: intron variant.
Genome position (GRCh38, 1-based): chr17:12,993,236, C>T on the plus strand (G>A on the coding strand, the complement: ELAC2 is on the minus strand). VCF-style: chr17-12993236-C-T. GRCh37 (hg19) VCF-style: chr17-12896553-C-T.
Other names: c.2134-191G>A (NM_001165962.2); c.2251-191G>A (NM_173717.2).
Identifiers: ClinVar variation 674688 (VCV000674688.1), dbSNP rs9908102, ClinGen allele CA15910775.